The following is an entry in ClinVar:

ClinVar aggregate classification (germline): Uncertain significance (1 of 4 stars; one submission).

Allele frequency attached by ClinVar (database versions not stated): TOPMed below 0.00001.

Submission:

Women's Health and Genetics/Laboratory Corporation of America, LabCorp
Classification: Uncertain significance. Last evaluated: 2023-12-11. Review status: criteria provided, single submitter. Criteria: LabCorp Variant Classification Summary - May 2015. Collection method: clinical testing. Allele origin: germline.
Comment: Variant summary: ATRX c.862G>A (p.Glu288Lys) results in a conservative amino acid change located in the ADD domain (IPR025766) of the encoded protein sequence. Four of five in-silico tools predict a damaging effect of the variant on protein function. The variant was absent in 183081 control chromosomes. The available data on variant occurrences in the general population are insufficient to allow any conclusion about variant significance. To our knowledge, no occurrence of c.862G>A in individuals affected with ATR-X Syndrome and no experimental evidence demonstrating its impact on protein function have been reported. No submitters have cited clinical-significance assessments for this variant to ClinVar after 2014. Based on the evidence outlined above, the variant was classified as uncertain significance.

NM_000489.6(ATRX):c.862G>A (p.Glu288Lys)

Gene: ATRX (ATRX chromatin remodeler; minus strand). Cytogenetic location: Xq21.1.
Variant type: single nucleotide variant.
Coding change: c.862G>A on transcript NM_000489.6 (MANE Select); coding-DNA position 862, G replaced by A.
Protein change: p.Glu288Lys; replaces glutamic acid 288 with lysine.
Molecular consequence: missense variant.
Genome position (GRCh38, 1-based): chrX:77,684,394, C>T on the plus strand (G>A on the coding strand, the complement: ATRX is on the minus strand). VCF-style: chrX-77684394-C-T. GRCh37 (hg19) VCF-style: chrX-76939886-C-T.
Other names: c.748G>A, p.Glu250Lys (NM_138270.5); short protein forms E250K, E288K.
Identifiers: ClinVar variation 2691583 (VCV002691583.1), dbSNP rs2071436799, ClinGen allele CA413720481.